The following is an entry in ClinVar:

ClinVar aggregate classification (germline): Pathogenic (1 of 4 stars; one submission).

Conditions:
Inborn genetic diseases. Identifiers: MedGen C0950123, MeSH D030342.

Submission:

Ambry Genetics
Classification: Pathogenic for Inborn genetic diseases. Last evaluated: 2024-12-17. Review status: criteria provided, single submitter. Criteria: Ambry Variant Classification Scheme 2023. Collection method: clinical testing. Allele origin: germline.
Comment: The c.6693dupT (p.I2232Yfs*10) alteration, located in exon 31 (coding exon 30) of the CHD7 gene, consists of a duplication of T at position 6693, causing a translational frameshift with a predicted alternate stop codon after 10 amino acids. This alteration is expected to result in loss of function by premature protein truncation or nonsense-mediated mRNA decay. This variant was not reported in population-based cohorts in the Genome Aggregation Database (gnomAD). Based on the available evidence, this alteration is classified as pathogenic.

NM_017780.4(CHD7):c.6693dup (p.Ile2232fs)

Gene: CHD7 (chromodomain helicase DNA binding protein 7; plus strand). Cytogenetic location: 8q12.2.
Variant type: Duplication.
Coding change: c.6693dup on transcript NM_017780.4 (MANE Select); coding-DNA position 6693, one base duplicated (T; older notation c.6693dupT).
Protein change: p.Ile2232fs; shifts the reading frame from isoleucine 2232.
Molecular consequence: frameshift variant. On other transcripts: intron variant (1).
Genome position (GRCh38, 1-based): chr8:60,853,418, T duplicated. VCF-style (leftmost placement, unchanged base first): chr8-60853417-C-CT. GRCh37 (hg19) VCF-style: chr8-61765976-C-CT.
Other names: c.1717-8811dup (NM_001316690.1); short protein forms I2232fs.
Identifiers: ClinVar variation 3832849 (VCV003832849.1).
Genomic context (GRCh38, chr8:60,853,417, plus strand): 5'-CCAGCTCTGTGAAAAATGAACTGAAAGGTGTTGAGGTCGGCGCAGACACTGGGTCCAAAT[C>CT]TATTTCAGAGAAAGGTTCCGAAGAGGATGAAGAGGAAAAGCTGGAGGATGACGATAAGTC-3'